The following is an entry in ClinVar:

ClinVar aggregate classification (germline): Likely benign. Review status: criteria provided, multiple submitters, no conflicts (2 of 4 stars). 5 submissions from 5 submitters: Likely benign (4). 1 of the submissions does not count toward it. Last evaluated 2025-12-17.

Conditions:
SPEG-related disorder. Also called: SPEG-related condition.

Allele frequency attached by ClinVar (database versions not stated): gnomAD 0.00016; ESP Exome Variant Server 0.00024; TOPMed 0.00029; gnomAD exomes 0.00038.
gnomAD v4.1: 612 of 1,613,628 alleles (0.038%); highest among the groups gnomAD compares: Non-Finnish European, 0.048%; 1 homozygote.

Submissions (5):

Labcorp Genetics (formerly Invitae), Labcorp
Classification: Likely benign. Last evaluated: 2025-12-17. Review status: criteria provided, single submitter. Criteria: Invitae Variant Classification Sherloc (09022015). Collection method: clinical testing. Allele origin: germline.

Blueprint Genetics
Classification: Likely benign. Last evaluated: 2024-11-01. Review status: criteria provided, single submitter. Criteria: ACMG Guidelines, 2015. Collection method: clinical testing. Allele origin: germline.

CeGaT Center for Human Genetics Tuebingen
Classification: Likely benign. Last evaluated: 2024-02-01. Review status: criteria provided, single submitter. Criteria: CeGaT Center For Human Genetics Tuebingen Variant Classification Criteria Version 2. Collection method: clinical testing. Allele origin: germline. Affected: yes. Observed: 1 variant allele.
Comment: SPEG: BP4, BP7

Breakthrough Genomics
Classification: Likely benign. Review status: criteria provided, single submitter. Criteria: ACMG Guidelines, 2015. Collection method: not provided. Allele origin: germline. Inheritance: Autosomal recessive inheritance. Affected: yes.

PreventionGenetics, part of Exact Sciences
Classification: Likely benign for SPEG-related condition. Last evaluated: 2024-06-26. Review status: no assertion criteria provided. Collection method: clinical testing. Allele origin: germline. Not counted in ClinVar's aggregate classification.
Comment: This variant is classified as likely benign based on ACMG/AMP sequence variant interpretation guidelines (Richards et al. 2015 PMID: 25741868, with internal and published modifications).

NM_005876.5(SPEG):c.3999G>A (p.Thr1333=)

Gene: SPEG (striated muscle enriched protein kinase; plus strand). Cytogenetic location: 2q35.
Variant type: single nucleotide variant.
Coding change: c.3999G>A on transcript NM_005876.5 (MANE Select); coding-DNA position 3999, G replaced by A.
Protein change: p.Thr1333=; no amino-acid change (threonine 1333 retained).
Molecular consequence: synonymous variant.
Genome position (GRCh38, 1-based): chr2:219,472,948, G>A. VCF-style: chr2-219472948-G-A. GRCh37 (hg19) VCF-style: chr2-220337670-G-A.
Identifiers: ClinVar variation 737182 (VCV000737182.33), dbSNP rs55684906, ClinGen allele CA2126371.
Genomic context (GRCh38, chr2:219,472,948, plus strand): 5'-AGACCCGGACTCCCTGACGTACACAGTGCAGCACCAGGTGCTGGGCTCGGACCAGTGGAC[G>A]GCACTGGTCACAGGCCTGCGGGAGCCAGGGTGGGCAGCCACAGGGCTGCGTAAGGGGGTC-3'
Protein context (NP_005867.3, residues 1323-1343): QHQVLGSDQW[Thr1333=]ALVTGLREPG